The following is an entry in ClinVar:

ClinVar aggregate classification (germline): Uncertain significance. Review status: criteria provided, multiple submitters, no conflicts (2 of 4 stars). 3 submissions from 3 submitters: Uncertain significance (3). Last evaluated 2025-01-22.

Conditions:
Inborn genetic diseases. Identifiers: MedGen C0950123, MeSH D030342.

Allele frequency attached by ClinVar (database versions not stated): TOPMed 0.00001; gnomAD exomes below 0.00001.
gnomAD v4.1: 1 of 1,614,126 alleles (0.000062%); highest among the groups gnomAD compares: Non-Finnish European, 0.000085%; no homozygotes.

Submissions (3):

Dasa
Classification: Uncertain significance. Last evaluated: 2025-01-22. Review status: criteria provided, single submitter. Criteria: DASA Assertion Criteria. Collection method: clinical testing. Allele origin: germline.
Comment: NM_006734.4(HIVEP2):c.499C>A (p.Gln167Lys) is a missense variant that results in the substitution of glutamine with lysine. This variant is rare in population databases. Computational prediction algorithms are consistent with a benign effect. The currently available literature and clinical evidence are not sufficient to establish a definitive association between this variant and the reported condition. Therefore, this variant is classified as a variant of uncertain significance.

Ambry Genetics
Classification: Uncertain significance for Inborn genetic diseases. Last evaluated: 2024-09-03. Review status: criteria provided, single submitter. Criteria: Ambry Variant Classification Scheme 2023. Collection method: clinical testing. Allele origin: germline.

Labcorp Genetics (formerly Invitae), Labcorp
Classification: Uncertain significance. Last evaluated: 2021-12-02. Review status: criteria provided, single submitter. Criteria: Invitae Variant Classification Sherloc (09022015). Collection method: clinical testing. Allele origin: germline.
Comment: This sequence change replaces glutamine, which is neutral and polar, with lysine, which is basic and polar, at codon 167 of the HIVEP2 protein (p.Gln167Lys). This variant is not present in population databases (gnomAD no frequency). In summary, the available evidence is currently insufficient to determine the role of this variant in disease. Therefore, it has been classified as a Variant of Uncertain Significance. Algorithms developed to predict the effect of missense changes on protein structure and function are either unavailable or do not agree on the potential impact of this missense change (SIFT: "Deleterious"; PolyPhen-2: "Probably Damaging"; Align-GVGD: "Class C0"). This variant has not been reported in the literature in individuals affected with HIVEP2-related conditions.

NM_006734.4(HIVEP2):c.499C>A (p.Gln167Lys)

Gene: HIVEP2 (HIVEP zinc finger 2; minus strand). Cytogenetic location: 6q24.2.
Variant type: single nucleotide variant.
Coding change: c.499C>A on transcript NM_006734.4 (MANE Select); coding-DNA position 499, C replaced by A.
Protein change: p.Gln167Lys; replaces glutamine 167 with lysine.
Molecular consequence: missense variant.
Genome position (GRCh38, 1-based): chr6:142,774,240, G>T on the plus strand (C>A on the coding strand, the complement: HIVEP2 is on the minus strand). VCF-style: chr6-142774240-G-T. GRCh37 (hg19) VCF-style: chr6-143095377-G-T.
Other names: c.499C>A (NM_006734.3); short protein forms Q167K.
Identifiers: ClinVar variation 1396040 (VCV001396040.9), dbSNP rs1775632114, ClinGen allele CA365915935.
Genomic context (GRCh38, chr6:142,774,240, plus strand): 5'-CAGGCTTTTTGGGTTTGTGCTCTTTCTTGTGAGCCTCTTCTGCCTGTTCAATACTTTTCT[G>T]GGAGTATTGGCTATAAGCAGGGTTCAGACTTGAAATCTTTTTTCTAGGATAACCACCACT-3'
Protein context (NP_006725.3, residues 157-177): SLNPAYSQYS[Gln167Lys]KSIEQAEEAH